The following is an entry in ClinVar:

ClinVar aggregate classification (germline): Uncertain significance. Review status: criteria provided, multiple submitters, no conflicts (2 of 4 stars). 2 submissions from 2 submitters: Uncertain significance (2). Last evaluated 2023-08-17.

Allele frequency attached by ClinVar (database versions not stated): gnomAD 0.00002; ExAC 0.00003; gnomAD exomes 0.00006 and 0.00009.
gnomAD v4.1: 85 of 1,576,286 alleles (0.0054%); highest among the groups gnomAD compares: Non-Finnish European, 0.0024%; no homozygotes.

Submissions (2):

Labcorp Genetics (formerly Invitae), Labcorp
Classification: Uncertain significance. Last evaluated: 2023-08-17. Review status: criteria provided, single submitter. Criteria: Invitae Variant Classification Sherloc (09022015). Collection method: clinical testing. Allele origin: germline.
Comment: In summary, the available evidence is currently insufficient to determine the role of this variant in disease. Therefore, it has been classified as a Variant of Uncertain Significance. Algorithms developed to predict the effect of sequence changes on RNA splicing suggest that this variant may disrupt the consensus splice site. ClinVar contains an entry for this variant (Variation ID: 1490192). This variant has not been reported in the literature in individuals affected with GEN1-related conditions. This variant is present in population databases (rs773532103, gnomAD 0.1%), and has an allele count higher than expected for a pathogenic variant. This sequence change affects a donor splice site in intron 12 of the GEN1 gene. It is expected to disrupt RNA splicing. Variants that disrupt the donor or acceptor splice site typically lead to a loss of protein function (PMID: 16199547), however the current clinical and genetic evidence is not sufficient to establish whether loss-of-function variants in GEN1 cause disease.

Breakthrough Genomics
Classification: Uncertain significance. Review status: criteria provided, single submitter. Criteria: ACMG Guidelines, 2015. Collection method: not provided. Allele origin: germline. Inheritance: Unknown mechanism. Affected: yes.

Literature cited by the submitters: PubMed 16199547 (cited by Labcorp Genetics (formerly Invitae), Labcorp).

NM_001130009.3(GEN1):c.1264+1G>T

Gene: GEN1 (GEN1 structure-specific endonuclease; plus strand). Cytogenetic location: 2p24.2.
Variant type: single nucleotide variant.
Coding change: c.1264+1G>T on transcript NM_001130009.3 (MANE Select); the canonical splice donor site of the intron after coding-DNA position 1264, G replaced by T.
Molecular consequence: splice donor variant.
Genome position (GRCh38, 1-based): chr2:17,778,064, G>T. VCF-style: chr2-17778064-G-T. GRCh37 (hg19) VCF-style: chr2-17959331-G-T.
Other names: c.1264+1G>T (NM_182625.5).
Identifiers: ClinVar variation 1490192 (VCV001490192.7), dbSNP rs773532103, ClinGen allele CA1540719.